The following is an entry in ClinVar:

NM_172364.5(CACNA2D4):c.3041A>G (p.Glu1014Gly)

Gene: CACNA2D4 (calcium voltage-gated channel auxiliary subunit alpha2delta 4; minus strand). Cytogenetic location: 12p13.33.
Variant type: single nucleotide variant.
Coding change: c.3041A>G on transcript NM_172364.5 (MANE Select); coding-DNA position 3041, A replaced by G.
Protein change: p.Glu1014Gly; replaces glutamic acid 1014 with glycine.
Molecular consequence: missense variant.
Genome position (GRCh38, 1-based): chr12:1,797,490, T>C on the plus strand (A>G on the coding strand, the complement: CACNA2D4 is on the minus strand). VCF-style: chr12-1797490-T-C. GRCh37 (hg19) VCF-style: chr12-1906656-T-C.
Other names: c.3041A>G (NM_172364.4); short protein forms E1014G.
Identifiers: ClinVar variation 1492011 (VCV001492011.42), dbSNP rs745321584, ClinGen allele CA6386081.

ClinVar aggregate classification (germline): Uncertain significance. Review status: criteria provided, multiple submitters, no conflicts (2 of 4 stars). 4 submissions from 4 submitters: Uncertain significance (4). Last evaluated 2026-04-01.

Conditions:
Inborn genetic diseases. Identifiers: MedGen C0950123, MeSH D030342.

Allele frequency attached by ClinVar (database versions not stated): ExAC 0.00003; gnomAD exomes 0.00003; TOPMed 0.00005; gnomAD 0.00007.
gnomAD v4.1: 63 of 1,585,410 alleles (0.004%); highest among the groups gnomAD compares: Non-Finnish European, 0.0053%; no homozygotes.

Submissions (4):

CeGaT Center for Human Genetics Tuebingen
Classification: Uncertain significance. Last evaluated: 2026-04-01. Review status: criteria provided, single submitter. Criteria: CeGaT Center For Human Genetics Tuebingen Variant Classification Criteria Version 2. Collection method: clinical testing. Allele origin: germline. Affected: yes. Observed: 2 variant alleles.
Comment: CACNA2D4: PM2, BP4

Labcorp Genetics (formerly Invitae), Labcorp
Classification: Uncertain significance. Last evaluated: 2025-05-16. Review status: criteria provided, single submitter. Criteria: Invitae Variant Classification Sherloc (09022015). Collection method: clinical testing. Allele origin: germline.
Comment: This sequence change replaces glutamic acid, which is acidic and polar, with glycine, which is neutral and non-polar, at codon 1014 of the CACNA2D4 protein (p.Glu1014Gly). This variant is present in population databases (rs745321584, gnomAD 0.008%). This variant has not been reported in the literature in individuals affected with CACNA2D4-related conditions. ClinVar contains an entry for this variant (Variation ID: 1492011). An algorithm developed to predict the effect of missense changes on protein structure and function (PolyPhen-2) suggests that this variant is likely to be tolerated. In summary, the available evidence is currently insufficient to determine the role of this variant in disease. Therefore, it has been classified as a Variant of Uncertain Significance.

Blueprint Genetics
Classification: Uncertain significance. Last evaluated: 2024-09-23. Review status: criteria provided, single submitter. Criteria: ACMG Guidelines, 2015. Collection method: clinical testing. Allele origin: germline.

Ambry Genetics
Classification: Uncertain significance for Inborn genetic diseases. Last evaluated: 2022-11-07. Review status: criteria provided, single submitter. Criteria: Ambry Variant Classification Scheme 2023. Collection method: clinical testing. Allele origin: germline.